The following is an entry in ClinVar:

NM_033305.3(VPS13A):c.5248C>T (p.Arg1750Cys)

Gene: VPS13A (vacuolar protein sorting 13 homolog A; plus strand). Cytogenetic location: 9q21.2.
Variant type: single nucleotide variant.
Coding change: c.5248C>T on transcript NM_033305.3 (MANE Select); coding-DNA position 5248, C replaced by T.
Protein change: p.Arg1750Cys; replaces arginine 1750 with cysteine.
Molecular consequence: missense variant.
Genome position (GRCh38, 1-based): chr9:77,318,526, C>T. VCF-style: chr9-77318526-C-T. GRCh37 (hg19) VCF-style: chr9-79933442-C-T.
Other names: c.5248C>T (NM_033305.2); c.5131C>T, p.Arg1711Cys (NM_001018037.2); c.5248C>T, p.Arg1750Cys (NM_001018038.3, NM_015186.4); short protein forms R1711C, R1750C.
Identifiers: ClinVar variation 989587 (VCV000989587.2), dbSNP rs149067717, ClinGen allele CA5092708.

ClinVar aggregate classification (germline): Uncertain significance. Review status: criteria provided, single submitter (1 of 4 stars). 2 submissions from 2 submitters: Uncertain significance (1). 1 of the submissions does not count toward it. Last evaluated 2025-04-15.

Conditions:
VPS13A-related neurodegenerative disease. Also called: VPS13A Disease; Choreaacanthocytosis; Chorea-acanthocytosis; LEVINE-CRITCHLEY SYNDROME; Choreoacanthocytosis; ACANTHOCYTOSIS WITH NEUROLOGIC DISORDER. Identifiers: Orphanet 2388, MedGen C0393576, MONDO:0008695, OMIM 200150.

Allele frequency attached by ClinVar (database versions not stated): TOPMed 0.00002.
gnomAD v4.1: 11 of 1,613,884 alleles (0.00068%); highest among the groups gnomAD compares: African/African-American, 0.0053%; 1 homozygote.

Submissions (2):

GeneDx
Classification: Uncertain significance. Last evaluated: 2025-04-15. Review status: criteria provided, single submitter. Criteria: GeneDx Variant Classification Process June 2021. Collection method: clinical testing. Allele origin: germline. Affected: yes.
Comment: Not observed at significant frequency in large population cohorts (gnomAD); In silico analysis indicates that this missense variant does not alter protein structure/function; Has not been previously published as pathogenic or benign to our knowledge

Natera, Inc.
Classification: Uncertain significance for Choreaacanthocytosis. Last evaluated: 2020-08-14. Review status: no assertion criteria provided. Collection method: clinical testing. Allele origin: germline. Not counted in ClinVar's aggregate classification.